The following is an entry in ClinVar:

ClinVar aggregate classification (germline): Uncertain significance (1 of 4 stars; one submission).

gnomAD v4.1: 1 of 1,609,094 alleles (0.000062%); highest among the groups gnomAD compares: Non-Finnish European, 0.000085%; no homozygotes.

Submission:

Dasa
Classification: Uncertain significance. Last evaluated: 2025-11-20. Review status: criteria provided, single submitter. Criteria: DASA Assertion Criteria. Collection method: clinical testing. Allele origin: germline.
Comment: NM_018489.3(ASH1L):c.7193A>G (p.Asp2398Gly) is a missense variant that results in the substitution of aspartic acid with glycine. This variant is rare in population databases. The currently available literature and clinical evidence are not sufficient to establish a definitive association between this variant and the reported condition. Therefore, this variant is classified as a variant of uncertain significance.

NM_018489.3(ASH1L):c.7193A>G (p.Asp2398Gly)

Gene: ASH1L (ASH1 like histone lysine methyltransferase; minus strand). Cytogenetic location: 1q22.
Variant type: single nucleotide variant.
Coding change: c.7193A>G on transcript NM_018489.3 (MANE Select); coding-DNA position 7193, A replaced by G.
Protein change: p.Asp2398Gly; replaces aspartic acid 2398 with glycine.
Molecular consequence: missense variant.
Genome position (GRCh38, 1-based): chr1:155,354,493, T>C on the plus strand (A>G on the coding strand, the complement: ASH1L is on the minus strand). VCF-style: chr1-155354493-T-C. GRCh37 (hg19) VCF-style: chr1-155324284-T-C.
Other names: c.7208A>G, p.Asp2403Gly (NM_001366177.2); short protein forms D2398G, D2403G.
Identifiers: ClinVar variation 4852678 (VCV004852678.2).